The following is an entry in ClinVar:

NM_013275.6(ANKRD11):c.5272_5277dup (p.Ser1759_Phe1760insProSer)

Gene: ANKRD11 (ankyrin repeat domain 11; minus strand). Cytogenetic location: 16q24.3.
Variant type: Duplication.
Coding change: c.5272_5277dup on transcript NM_013275.6 (MANE Select); coding-DNA positions 5272 to 5277, 6 bases duplicated (CCCTCC; older notation c.5272_5277dupCCCTCC).
Protein change: p.Ser1759_Phe1760insProSer.
Molecular consequence: inframe insertion.
Genome position (GRCh38, 1-based): chr16:89,281,265-89,281,270, GGAGGG duplicated on the plus strand (CCCTCC on the coding strand, the reverse complement: ANKRD11 is on the minus strand); duplicating any 6 consecutive bases within chr16:89,281,265-89,281,274 gives the same sequence; the c. name uses the placement nearest the transcript's 3' end. VCF-style (leftmost placement, unchanged base first): chr16-89281264-A-AGGAGGG. GRCh37 (hg19) VCF-style: chr16-89347672-A-AGGAGGG.
Other names: c.5272_5277dup, p.Ser1759_Phe1760insProSer (NM_001256182.2, NM_001256183.2).
Identifiers: ClinVar variation 3604486 (VCV003604486.2).
Genomic context (GRCh38, chr16:89,281,264, plus strand): 5'-CAGGAGCCTGGCTGGCGTTTTCCGAAAGCCCACTTGAAGCCACGGAGAACCTGTCGAAAA[A>AGGAGGG]GGAGGGGGAGCAGGCGCTGGTGGGAGCGGTGGGCACGGGCGTGGAGTGCTGCGAGTCGGC-3'

ClinVar aggregate classification (germline): Uncertain significance (1 of 4 stars; one submission).

Conditions:
KBG syndrome (KBGS). Also called: ANKRD11-Related KBG Syndrome. Identifiers: Orphanet 2332, MedGen C0220687, MONDO:0007846, OMIM 148050.

Submission:

Labcorp Genetics (formerly Invitae), Labcorp
Classification: Uncertain significance for KBG syndrome. Last evaluated: 2024-09-06. Review status: criteria provided, single submitter. Criteria: Invitae Variant Classification Sherloc (09022015). Collection method: clinical testing. Allele origin: germline.
Comment: This variant, c.5272_5277dup, results in the insertion of 2 amino acid(s) of the ANKRD11 protein (p.Pro1758_Ser1759dup), but otherwise preserves the integrity of the reading frame. The frequency data for this variant in the population databases is considered unreliable, as metrics indicate poor data quality at this position in the gnomAD database. This variant has not been reported in the literature in individuals affected with ANKRD11-related conditions. In summary, the available evidence is currently insufficient to determine the role of this variant in disease. Therefore, it has been classified as a Variant of Uncertain Significance.